The following is an entry in ClinVar:

NM_199242.3(UNC13D):c.1825C>T (p.Gln609Ter)

Gene: UNC13D (unc-13 homolog D; minus strand). Cytogenetic location: 17q25.1.
Variant type: single nucleotide variant.
Coding change: c.1825C>T on transcript NM_199242.3 (MANE Select); coding-DNA position 1825, C replaced by T.
Protein change: p.Gln609Ter; replaces glutamine 609 with a stop codon.
Molecular consequence: nonsense.
Genome position (GRCh38, 1-based): chr17:75,835,432, G>A on the plus strand (C>T on the coding strand, the complement: UNC13D is on the minus strand). VCF-style: chr17-75835432-G-A. GRCh37 (hg19) VCF-style: chr17-73831513-G-A.
Other names: short protein forms Q609*.
Identifiers: ClinVar variation 2736660 (VCV002736660.4), dbSNP rs2545981285, ClinGen allele CA401092226.
Genomic context (GRCh38, chr17:75,835,432, plus strand): 5'-ACCGGGGCCCCGCCCCCTGCCCTGGCCACGCCCCCACCTCATCCATCTGCACAGCGCGCT[G>A]CACCCGCGCCAGGGCCTCGTTGTACGTCTTCTGCAGCCAGGAGGGGATGGCCGGCTGGAA-3'

ClinVar aggregate classification (germline): Pathogenic. Review status: criteria provided, multiple submitters, no conflicts (2 of 4 stars). 2 submissions from 2 submitters: Pathogenic (2). Last evaluated 2026-08-18.

Conditions:
UNC13D-related disorder. Also called: UNC13D-related condition.
Familial hemophagocytic lymphohistiocytosis 3 (FHL3). Also called: UNC13D-Related Familial Hemophagocytic Lymphohistiocytosis (UNC13D-fHLH). Identifiers: Orphanet 540, MedGen C1837174, MONDO:0012146, OMIM 608898.

Allele frequency attached by ClinVar (database versions not stated): gnomAD exomes 0.00002.
gnomAD v4.1: 14 of 1,612,736 alleles (0.00087%); highest among the groups gnomAD compares: Non-Finnish European, 0.0011%; no homozygotes.

Submissions (2):

PreventionGenetics, part of Exact Sciences
Classification: Pathogenic for UNC13D-related condition. Last evaluated: 2026-08-18. Review status: criteria provided, single submitter. Criteria: ACMG Guidelines, 2015. Collection method: clinical testing. Allele origin: germline.
Comment: The UNC13D c.1825C>T variant is predicted to result in premature protein termination (p.Gln609*). This variant has been reported in the compound heterozygous state in an individual with hemophagocytic lymphohistiocytosis (Qian et al. 2014. PubMed ID: 24470399). This variant has not been reported in a large population database (gnomAD), indicating this variant is rare. Nonsense variants in UNC13D are expected to be pathogenic. This variant is interpreted as pathogenic.

Labcorp Genetics (formerly Invitae), Labcorp
Classification: Pathogenic for Familial hemophagocytic lymphohistiocytosis 3. Last evaluated: 2023-04-28. Review status: criteria provided, single submitter. Criteria: Invitae Variant Classification Sherloc (09022015). Collection method: clinical testing. Allele origin: germline.
Comment: For these reasons, this variant has been classified as Pathogenic. This premature translational stop signal has been observed in individual(s) with hemophagocytic lymphohistiocytosis (PMID: 24470399). This variant is not present in population databases (gnomAD no frequency). This sequence change creates a premature translational stop signal (p.Gln609*) in the UNC13D gene. It is expected to result in an absent or disrupted protein product. Loss-of-function variants in UNC13D are known to be pathogenic (PMID: 14622600).

Literature cited by the submitters: PubMed 24470399 (cited by Labcorp Genetics (formerly Invitae), Labcorp); PubMed 14622600 (cited by Labcorp Genetics (formerly Invitae), Labcorp).